The following is an entry in ClinVar:

ClinVar aggregate classification (germline): Uncertain significance (1 of 4 stars; one submission).

Conditions:
Dilated cardiomyopathy 1D. Identifiers: Orphanet 154, Orphanet 54260, MedGen C1832243, MONDO:0011095, OMIM 601494.
Hypertrophic cardiomyopathy 2. Also called: TNNT2-Related Familial Hypertrophic Cardiomyopathy. Identifiers: MedGen C1861864, MONDO:0007266, OMIM 115195.
Cardiomyopathy, familial restrictive, 3. Identifiers: Orphanet 75249, MedGen C2676271, MONDO:0012900, OMIM 612422.

Submission:

Labcorp Genetics (formerly Invitae), Labcorp
Classification: Uncertain significance for Cardiomyopathy, familial restrictive, 3; Hypertrophic cardiomyopathy 2; Dilated cardiomyopathy 1D. Last evaluated: 2024-05-14. Review status: criteria provided, single submitter. Criteria: Invitae Variant Classification Sherloc (09022015). Collection method: clinical testing. Allele origin: germline.
Comment: This sequence change replaces glutamic acid, which is acidic and polar, with glutamine, which is neutral and polar, at codon 143 of the TNNT2 protein (p.Glu143Gln). This variant is not present in population databases (gnomAD no frequency). This variant has not been reported in the literature in individuals affected with TNNT2-related conditions. Advanced modeling of protein sequence and biophysical properties (such as structural, functional, and spatial information, amino acid conservation, physicochemical variation, residue mobility, and thermodynamic stability) performed at Invitae indicates that this missense variant is expected to disrupt TNNT2 protein function with a positive predictive value of 95%. In summary, the available evidence is currently insufficient to determine the role of this variant in disease. Therefore, it has been classified as a Variant of Uncertain Significance.

NM_001276345.2(TNNT2):c.457G>C (p.Glu153Gln)

Gene: TNNT2 (troponin T2, cardiac type; minus strand). Cytogenetic location: 1q32.1.
Variant type: single nucleotide variant.
Coding change: c.457G>C on transcript NM_001276345.2 (MANE Select); coding-DNA position 457, G replaced by C.
Protein change: p.Glu153Gln; replaces glutamic acid 153 with glutamine.
Molecular consequence: missense variant.
Genome position (GRCh38, 1-based): chr1:201,364,330, C>G on the plus strand (G>C on the coding strand, the complement: TNNT2 is on the minus strand). VCF-style: chr1-201364330-C-G. GRCh37 (hg19) VCF-style: chr1-201333458-C-G.
Other names: c.427G>C, p.Glu143Gln (NM_001406727.1, NM_001001430.3, NM_001001431.3 and 3 more transcripts); c.412G>C, p.Glu138Gln (NM_001406728.1, NM_001001432.3); c.457G>C, p.Glu153Gln (NM_000364.4, NM_001406723.1); c.424G>C, p.Glu142Gln (NM_001406725.1); c.337G>C, p.Glu113Gln (NM_001276346.2); short protein forms E113Q, E138Q, E142Q, E143Q, E153Q.
Identifiers: ClinVar variation 3753581 (VCV003753581.2).